The following is an entry in ClinVar:

NM_000237.3(LPL):c.1019-2A>T

Gene: LPL (lipoprotein lipase; plus strand). Cytogenetic location: 8p21.3.
Variant type: single nucleotide variant.
Coding change: c.1019-2A>T on transcript NM_000237.3 (MANE Select); the canonical splice acceptor site of the intron before coding-DNA position 1019, A replaced by T.
Molecular consequence: splice acceptor variant.
Genome position (GRCh38, 1-based): chr8:19,959,258, A>T. VCF-style: chr8-19959258-A-T. GRCh37 (hg19) VCF-style: chr8-19816769-A-T.
Identifiers: ClinVar variation 1693264 (VCV001693264.6), dbSNP rs767366957, ClinGen allele CA370638248.
Genomic context (GRCh38, chr8:19,959,258, plus strand): 5'-TATTTGGGGTTGTGATATTTTCATAAAGATTGATCAACATGTTCGAATTTCCTCCCCAAC[A>T]GTCTTCCATTACCAAGTAAAGATTCATTTTTCTGGGACTGAGAGTGAAACCCATACCAAT-3'

ClinVar aggregate classification (germline): Pathogenic. Review status: criteria provided, multiple submitters, no conflicts (2 of 4 stars). 3 submissions from 2 submitters: Pathogenic (2). 1 of the submissions does not count toward it. Last evaluated 2021-12-23.

Conditions:
Cardiovascular phenotype. Identifiers: MedGen CN230736.
Hyperlipoproteinemia, type I. Also called: Familial hyperlipo-proteinemia type 1; Hyperlipemia essential familial; HYPERLIPOPROTEINEMIA, TYPE IA; LPL DEFICIENCY; Hyperlipoproteinemia type 1; Hyperchylomicro-nemia familial. Identifiers: Orphanet 309015, Orphanet 444490, MedGen C0023817, MONDO:0009387, OMIM 238600. Disease mechanism: loss of function.
Hyperlipidemia, familial combined, LPL related (FCHL3). Also called: Hyperapobetalipoproteinemia. Identifiers: MedGen C0020474, MONDO:0007759, OMIM 144250, HP:0008158.

Submissions (3):

Ambry Genetics
Classification: Pathogenic for Cardiovascular phenotype. Last evaluated: 2021-12-23. Review status: criteria provided, single submitter. Criteria: Ambry Variant Classification Scheme 2023. Collection method: clinical testing. Allele origin: germline.
Comment: The c.1019-2A>T intronic pathogenic mutation results from an A to T substitution two nucleotides upstream from coding exon 7 in the LPL gene. This variant has been detected in the homozygous state in individuals with severe hypertriglyceridemia with and without pancreatitis, where heterozygous relatives did not have significantly elevated triglycerides (Rabacchi C et al. Atherosclerosis, 2015 Jul;241:79-86; D'Erasmo L et al. Arterioscler Thromb Vasc Biol, 2019 12;39:2531-2541). In a minigene assay, this variant resulted in aberrant splicing with skipping of exon 7 (Rabacchi C et al. Atherosclerosis, 2015 Jul;241:79-86). This variant is considered to be rare based on population cohorts in the Genome Aggregation Database (gnomAD). In silico splice site analysis predicts that this alteration will weaken the native splice acceptor site. In addition to the clinical data presented in the literature, alterations that disrupt the canonical splice site are expected to cause aberrant splicing, resulting in an abnormal protein or a transcript that is subject to nonsense-mediated mRNA decay. As such, this alteration is classified as a disease-causing mutation.

Kasturba Medical College, Manipal, Kasturba Medical College, Manipal, Manipal Academy of Higher Education, Manipal, India
Classification: Pathogenic for Hyperlipidemia, familial combined, LPL related. Review status: criteria provided, single submitter. Criteria: ACMG Guidelines, 2015. Collection method: clinical testing. Allele origin: maternal. Inheritance: Autosomal dominant inheritance. Observed: 1 heterozygote.
Comment: This canonical splice site variant leads to skipping of an exon and premature truncation and thus resulting in aberrant protein function.

Kasturba Medical College, Manipal, Kasturba Medical College, Manipal, Manipal Academy of Higher Education, Manipal, India
Classification: Pathogenic for Hyperlipoproteinemia, type I. Review status: no assertion criteria provided. Collection method: clinical testing. Allele origin: biparental. Affected: yes. Not counted in ClinVar's aggregate classification.

Literature cited by the submitters: PubMed 25966443 (cited by Ambry Genetics); PubMed 31619059 (cited by Ambry Genetics); PubMed 32041611 (cited by Ambry Genetics); NCBI Bookshelf 1308 (cited by Kasturba Medical College, Manipal, Kasturba Medical College, Manipal, Manipal Academy of Higher Education, Manipal, India).